The following is an entry in ClinVar:

NM_000539.3(RHO):c.516C>T (p.Leu172=)

Gene: RHO (rhodopsin; plus strand). Cytogenetic location: 3q22.1.
Variant type: single nucleotide variant.
Coding change: c.516C>T on transcript NM_000539.3 (MANE Select); coding-DNA position 516, C replaced by T.
Protein change: p.Leu172=; no amino-acid change (leucine 172 retained).
Molecular consequence: synonymous variant.
Genome position (GRCh38, 1-based): chr3:129,531,030, C>T. VCF-style: chr3-129531030-C-T. GRCh37 (hg19) VCF-style: chr3-129249873-C-T.
Identifiers: ClinVar variation 1112000 (VCV001112000.11), dbSNP rs779609930, ClinGen allele CA2607179.

ClinVar aggregate classification (germline): Likely benign. Review status: criteria provided, multiple submitters, no conflicts (2 of 4 stars). 3 submissions from 3 submitters: Likely benign (3). Last evaluated 2025-05-28.

Conditions:
RHO-related disorder. Also called: RHO-related condition.

Allele frequency attached by ClinVar (database versions not stated): TOPMed 0.00003; gnomAD 0.00006 and 0.00007; gnomAD exomes 0.00006 and 0.00010; ExAC 0.00008.
gnomAD v4.1: 104 of 1,613,866 alleles (0.0064%); highest among the groups gnomAD compares: African/African-American, 0.0067%; 1 homozygote.

Submissions (3):

PreventionGenetics, part of Exact Sciences
Classification: Likely benign for RHO-related condition. Last evaluated: 2025-05-28. Review status: criteria provided, single submitter. Criteria: ACMG Guidelines, 2015. Collection method: clinical testing. Allele origin: germline.
Comment: This variant is classified as likely benign based on ACMG/AMP sequence variant interpretation guidelines (Richards et al. 2015 PMID: 25741868, with internal and published modifications).

Blueprint Genetics
Classification: Likely benign. Last evaluated: 2024-07-18. Review status: criteria provided, single submitter. Criteria: ACMG Guidelines, 2015. Collection method: clinical testing. Allele origin: germline.

Labcorp Genetics (formerly Invitae), Labcorp
Classification: Likely benign. Last evaluated: 2024-04-22. Review status: criteria provided, single submitter. Criteria: Invitae Variant Classification Sherloc (09022015). Collection method: clinical testing. Allele origin: germline.